The following is an entry in ClinVar:

NM_174916.3(UBR1):c.4898T>C (p.Ile1633Thr)

Gene: UBR1 (ubiquitin protein ligase E3 component n-recognin 1; minus strand). Cytogenetic location: 15q15.2.
Variant type: single nucleotide variant.
Coding change: c.4898T>C on transcript NM_174916.3 (MANE Select); coding-DNA position 4898, T replaced by C.
Protein change: p.Ile1633Thr; replaces isoleucine 1633 with threonine.
Molecular consequence: missense variant.
Genome position (GRCh38, 1-based): chr15:42,952,386, A>G on the plus strand (T>C on the coding strand, the complement: UBR1 is on the minus strand). VCF-style: chr15-42952386-A-G. GRCh37 (hg19) VCF-style: chr15-43244584-A-G.
Other names: short protein forms I1633T.
Identifiers: ClinVar variation 3616213 (VCV003616213.2).

ClinVar aggregate classification (germline): Uncertain significance (1 of 4 stars; one submission).

gnomAD v4.1: 18 of 1,614,132 alleles (0.0011%); highest among the groups gnomAD compares: Middle Eastern, 0.016%; no homozygotes.

Submission:

Labcorp Genetics (formerly Invitae), Labcorp
Classification: Uncertain significance. Last evaluated: 2024-02-27. Review status: criteria provided, single submitter. Criteria: Invitae Variant Classification Sherloc (09022015). Collection method: clinical testing. Allele origin: germline.
Comment: This sequence change replaces isoleucine, which is neutral and non-polar, with threonine, which is neutral and polar, at codon 1633 of the UBR1 protein (p.Ile1633Thr). This variant is present in population databases (rs746987173, gnomAD 0.01%). This variant has not been reported in the literature in individuals affected with UBR1-related conditions. Advanced modeling of protein sequence and biophysical properties (such as structural, functional, and spatial information, amino acid conservation, physicochemical variation, residue mobility, and thermodynamic stability) performed at Invitae indicates that this missense variant is not expected to disrupt UBR1 protein function with a negative predictive value of 80%. In summary, the available evidence is currently insufficient to determine the role of this variant in disease. Therefore, it has been classified as a Variant of Uncertain Significance.